The following is an entry in ClinVar:

NM_007254.4(PNKP):c.783G>A (p.Pro261=)

Gene: PNKP (polynucleotide kinase 3'-phosphatase; minus strand). Cytogenetic location: 19q13.33.
Variant type: single nucleotide variant.
Coding change: c.783G>A on transcript NM_007254.4 (MANE Select); coding-DNA position 783, G replaced by A.
Protein change: p.Pro261=; no amino-acid change (proline 261 retained).
Molecular consequence: synonymous variant.
Genome position (GRCh38, 1-based): chr19:49,863,722, C>T on the plus strand (G>A on the coding strand, the complement: PNKP is on the minus strand). VCF-style: chr19-49863722-C-T. GRCh37 (hg19) VCF-style: chr19-50366979-C-T.
Other names: p.P261P:CCG>CCA; p.Pro261=.
Identifiers: ClinVar variation 138712 (VCV000138712.71), dbSNP rs145307985, ClinGen allele CA295151.
Genomic context (GRCh38, chr19:49,863,722, plus strand): 5'-GGGGGCCGGGCAGGCTGCAAGACTCACCTGCTCCTGCAGATGGTCCCACATGCCCGTCAC[C>T]GGCTTCCGGTACAAGCCTGCGTGCGTGGCCACCAGCACCTGTGGATGGGAGGGGGCCACC-3'
Protein context (NP_009185.2, residues 251-271): VATHAGLYRK[Pro261=]VTGMWDHLQE

ClinVar aggregate classification (germline): Benign/Likely benign. Review status: criteria provided, multiple submitters, no conflicts (2 of 4 stars). 14 submissions from 14 submitters: Benign (6); Likely benign (8). Last evaluated 2026-09-01.

Conditions:
Inborn genetic diseases. Identifiers: MedGen C0950123, MeSH D030342.
Developmental and epileptic encephalopathy, 12 (DEE12). Identifiers: MedGen C3150988, MONDO:0013389, OMIM 613722.
Microcephaly, seizures, and developmental delay. Identifiers: Orphanet 1934, MedGen C3150667, MONDO:0013254, OMIM 613402.

Allele frequency attached by ClinVar (database versions not stated): 1000 Genomes Project 0.00220; 1000 Genomes Project 30x 0.00234; gnomAD exomes 0.00280 and 0.00533; ESP Exome Variant Server 0.00296; gnomAD 0.00352 and 0.00353; ExAC 0.00384; TOPMed 0.00389.

Submissions (14):

CeGaT Center for Human Genetics Tuebingen
Classification: Likely benign. Last evaluated: 2026-09-01. Review status: criteria provided, single submitter. Criteria: CeGaT Center For Human Genetics Tuebingen Variant Classification Criteria Version 2. Collection method: clinical testing. Allele origin: germline. Affected: yes. Observed: 53 variant alleles.
Comment: PNKP: BP4, BP7, BS2

Labcorp Genetics (formerly Invitae), Labcorp
Classification: Benign for Developmental and epileptic encephalopathy, 12. Last evaluated: 2026-01-28. Review status: criteria provided, single submitter. Criteria: Invitae Variant Classification Sherloc (09022015). Collection method: clinical testing. Allele origin: germline.

Blueprint Genetics
Classification: Likely benign. Last evaluated: 2024-11-26. Review status: criteria provided, single submitter. Criteria: ACMG Guidelines, 2015. Collection method: clinical testing. Allele origin: germline.

Athena Diagnostics
Classification: Benign. Last evaluated: 2024-02-16. Review status: criteria provided, single submitter. Criteria: Athena Diagnostics Criteria. Collection method: clinical testing. Allele origin: unknown.

Mayo Clinic Laboratories, Mayo Clinic
Classification: Benign. Last evaluated: 2021-12-21. Review status: criteria provided, single submitter. Criteria: ACMG Guidelines, 2015. Collection method: clinical testing. Allele origin: germline. Observed: 20 variant alleles.

Genome Diagnostics Laboratory, University Medical Center Utrecht
Classification: Likely benign for Microcephaly, seizures, and developmental delay. Last evaluated: 2017-06-05. Review status: criteria provided, single submitter. Criteria: ACGS Guidelines, 2013. Collection method: clinical testing. Allele origin: germline. Affected: yes. Study: VKGL Data-share Consensus.

Illumina Laboratory Services, Illumina
Classification: Likely benign for Microcephaly, seizures, and developmental delay. Last evaluated: 2017-04-27. Review status: criteria provided, single submitter. Criteria: ICSL Variant Classification Criteria 13 December 2019. Collection method: clinical testing. Allele origin: germline.
Comment: This variant was observed as part of a predisposition screen in an ostensibly healthy population. A literature search was performed for the gene, cDNA change, and amino acid change (where applicable). No publications were found based on this search. Allele frequency data from public databases allowed determination this variant is unlikely to cause disease. Therefore, this variant is classified as likely benign.

Ambry Genetics
Classification: Likely benign for Inborn genetic diseases. Last evaluated: 2016-06-14. Review status: criteria provided, single submitter. Criteria: Ambry Variant Classification Scheme 2023. Collection method: clinical testing. Allele origin: germline.

Clinical Genetics DNA and cytogenetics Diagnostics Lab, Erasmus MC, Erasmus Medical Center
Classification: Likely benign for Microcephaly, seizures, and developmental delay. Last evaluated: 2015-09-21. Review status: criteria provided, single submitter. Criteria: ACGS Guidelines, 2013. Collection method: clinical testing. Allele origin: germline. Affected: yes. Study: VKGL Data-share Consensus.

Genetic Services Laboratory, University of Chicago
Classification: Likely benign. Last evaluated: 2014-04-21. Review status: criteria provided, single submitter. Criteria: ACMG Guidelines, 2007. Collection method: clinical testing. Allele origin: germline. Inheritance: Autosomal recessive inheritance.

Eurofins Ntd Llc (ga)
Classification: Benign. Last evaluated: 2014-01-23. Review status: criteria provided, single submitter. Criteria: EGL Classification Definitions 2015. Collection method: clinical testing. Allele origin: germline. Observed: 2 variant alleles, 2 heterozygotes.

GeneDx
Classification: Benign. Last evaluated: 2013-01-29. Review status: criteria provided, single submitter. Criteria: GeneDx Variant Classification (06012015). Collection method: clinical testing. Allele origin: germline. Affected: yes.
Comment: This variant is considered likely benign or benign based on one or more of the following criteria: it is a conservative change, it occurs at a poorly conserved position in the protein, it is predicted to be benign by multiple in silico algorithms, and/or has population frequency not consistent with disease.

Breakthrough Genomics
Classification: Likely benign. Review status: criteria provided, single submitter. Criteria: ACMG Guidelines, 2015. Collection method: not provided. Allele origin: germline. Inheritance: Autosomal recessive inheritance. Affected: yes.

PreventionGenetics, part of Exact Sciences
Classification: Benign. Review status: criteria provided, single submitter. Criteria: ACMG Guidelines, 2015. Collection method: clinical testing. Allele origin: germline.

Literature cited by the submitters: PubMed 32666581 (cited by Athena Diagnostics).